The following is an entry in ClinVar:

NM_001458.5(FLNC):c.6484G>C (p.Gly2162Arg)

Genes: FLNC (filamin C; plus strand), FLNC-AS1 (FLNC antisense RNA 1; minus strand). Cytogenetic location: 7q32.1.
Variant type: single nucleotide variant.
Coding change: c.6484G>C on transcript NM_001458.5 (MANE Select); coding-DNA position 6484, G replaced by C.
Protein change: p.Gly2162Arg; replaces glycine 2162 with arginine.
Molecular consequence: missense variant.
Genome position (GRCh38, 1-based): chr7:128,853,837, G>C. VCF-style: chr7-128853837-G-C. GRCh37 (hg19) VCF-style: chr7-128493891-G-C.
Other names: c.6385G>C, p.Gly2129Arg (NM_001127487.2); short protein forms G2129R, G2162R.
Identifiers: ClinVar variation 3895447 (VCV003895447.1).

ClinVar aggregate classification (germline): Uncertain significance (1 of 4 stars; one submission).

Conditions:
Cardiovascular phenotype. Identifiers: MedGen CN230736.

Submission:

Molecular Diagnostic Laboratory for Inherited Cardiovascular Disease, Montreal Heart Institute
Classification: Uncertain significance for Cardiovascular phenotype. Last evaluated: 2025-04-09. Review status: criteria provided, single submitter. Criteria: ACMG Guidelines, 2015. Collection method: clinical testing. Allele origin: germline. Affected: yes.
Comment: PM2, PVS1_supp